The following is an entry in ClinVar:

NM_001040108.2(MLH3):c.3344G>C (p.Arg1115Pro)

Gene: MLH3 (mutL homolog 3; minus strand). Cytogenetic location: 14q24.3.
Variant type: single nucleotide variant.
Coding change: c.3344G>C on transcript NM_001040108.2 (MANE Select); coding-DNA position 3344, G replaced by C.
Protein change: p.Arg1115Pro; replaces arginine 1115 with proline.
Molecular consequence: missense variant.
Genome position (GRCh38, 1-based): chr14:75,042,414, C>G on the plus strand (G>C on the coding strand, the complement: MLH3 is on the minus strand). VCF-style: chr14-75042414-C-G. GRCh37 (hg19) VCF-style: chr14-75509117-C-G.
Other names: c.3344G>C, p.Arg1115Pro (NM_014381.3); short protein forms R1115P.
Identifiers: ClinVar variation 1730445 (VCV001730445.6), dbSNP rs78311619, ClinGen allele CA390431818.

ClinVar aggregate classification (germline): Uncertain significance. Review status: criteria provided, multiple submitters, no conflicts (2 of 4 stars). 2 submissions from 2 submitters: Uncertain significance (2). Last evaluated 2025-01-08.

Conditions:
Colorectal cancer, hereditary nonpolyposis, type 7. Identifiers: Orphanet 144, MedGen C1858380, MONDO:0013725, OMIM 614385.

gnomAD v4.1: 12 of 1,614,018 alleles (0.00074%); highest among the groups gnomAD compares: Non-Finnish European, 0.001%; no homozygotes.

Submissions (2):

Ambry Genetics
Classification: Uncertain significance. Last evaluated: 2025-01-08. Review status: criteria provided, single submitter. Criteria: Ambry Variant Classification Scheme 2023. Collection method: clinical testing. Allele origin: germline.

Labcorp Genetics (formerly Invitae), Labcorp
Classification: Uncertain significance for Colorectal cancer, hereditary nonpolyposis, type 7. Last evaluated: 2023-06-14. Review status: criteria provided, single submitter. Criteria: Invitae Variant Classification Sherloc (09022015). Collection method: clinical testing. Allele origin: germline.
Comment: In summary, the available evidence is currently insufficient to determine the role of this variant in disease. Therefore, it has been classified as a Variant of Uncertain Significance. Algorithms developed to predict the effect of missense changes on protein structure and function output the following: SIFT: "Not Available"; PolyPhen-2: "Probably Damaging"; Align-GVGD: "Not Available". The proline amino acid residue is found in multiple mammalian species, which suggests that this missense change does not adversely affect protein function. ClinVar contains an entry for this variant (Variation ID: 1730445). This variant has not been reported in the literature in individuals affected with MLH3-related conditions. This variant is not present in population databases (gnomAD no frequency). This sequence change replaces arginine, which is basic and polar, with proline, which is neutral and non-polar, at codon 1115 of the MLH3 protein (p.Arg1115Pro).